The following is an entry in ClinVar:

ClinVar aggregate classification (germline): Pathogenic/Likely pathogenic. Review status: criteria provided, multiple submitters, no conflicts (2 of 4 stars). 2 submissions from 2 submitters: Pathogenic (1); Likely pathogenic (1). Last evaluated 2025-02-19.

Conditions:
Bardet-Biedl syndrome 14 (BBS14). Identifiers: Orphanet 110, MedGen C2673874, MONDO:0014442, OMIM 615991.
Joubert syndrome. Also called: CEREBELLOPARENCHYMAL DISORDER IV; JOUBERT-BOLTSHAUSER SYNDROME; Familial aplasia of the vermis. Identifiers: Orphanet 475, MedGen C5979921, MONDO:0018772.
Nephronophthisis. Also called: Juvenile Nephronophthisis. Identifiers: Orphanet 655, MedGen C0687120, MONDO:0019005, HP:0000090.
Meckel-Gruber syndrome. Also called: DYSENCEPHALIA SPLANCHNOCYSTICA; GRUBER SYNDROME; Dysencephalia splachnocystica. Identifiers: Orphanet 564, MedGen C0265215, MONDO:0018921.

Submissions (2):

Labcorp Genetics (formerly Invitae), Labcorp
Classification: Pathogenic for Joubert syndrome; Meckel-Gruber syndrome; Nephronophthisis. Last evaluated: 2025-02-19. Review status: criteria provided, single submitter. Criteria: Invitae Variant Classification Sherloc (09022015). Collection method: clinical testing. Allele origin: germline.
Comment: This sequence change creates a premature translational stop signal (p.Ile1345Serfs*5) in the CEP290 gene. It is expected to result in an absent or disrupted protein product. Loss-of-function variants in CEP290 are known to be pathogenic (PMID: 16909394, 17345604, 20690115). This variant is not present in population databases (gnomAD no frequency). This variant has not been reported in the literature in individuals affected with CEP290-related conditions. ClinVar contains an entry for this variant (Variation ID: 2680596). For these reasons, this variant has been classified as Pathogenic.

Baylor Genetics
Classification: Likely pathogenic for Bardet-Biedl syndrome 14. Last evaluated: 2023-07-30. Review status: criteria provided, single submitter. Criteria: ACMG Guidelines, 2015. Collection method: clinical testing. Allele origin: unknown.

Literature cited by the submitters: PubMed 16909394 (cited by Labcorp Genetics (formerly Invitae), Labcorp); PubMed 17345604 (cited by Labcorp Genetics (formerly Invitae), Labcorp); PubMed 20690115 (cited by Labcorp Genetics (formerly Invitae), Labcorp).

NM_025114.4(CEP290):c.4033del (p.Ile1345fs)

Gene: CEP290 (centrosomal protein 290; minus strand). Cytogenetic location: 12q21.32.
Variant type: Deletion.
Coding change: c.4033del on transcript NM_025114.4 (MANE Select); coding-DNA position 4033, one base deleted (A; older notation c.4033delA).
Protein change: p.Ile1345fs; shifts the reading frame from isoleucine 1345.
Molecular consequence: frameshift variant.
Genome position (GRCh38, 1-based): chr12:88,087,941, T deleted on the plus strand (A on the coding strand, the reverse complement: CEP290 is on the minus strand); the first of 2 consecutive T bases (chr12:88,087,941-88,087,942); deleting either gives the same sequence. VCF-style (leftmost placement, unchanged base first): chr12-88087940-AT-A. GRCh37 (hg19) VCF-style: chr12-88481717-AT-A.
Other names: short protein forms I1345fs.
Identifiers: ClinVar variation 2680596 (VCV002680596.3), dbSNP rs771939468, ClinGen allele CA6712035.